The following is an entry in ClinVar:

NM_013275.6(ANKRD11):c.6401_6422dup (p.Pro2142fs)

Gene: ANKRD11 (ankyrin repeat domain containing 11; minus strand). Cytogenetic location: 16q24.3.
Variant type: Duplication.
Coding change: c.6401_6422dup on transcript NM_013275.6 (MANE Select); coding-DNA positions 6401 to 6422, 22 bases duplicated (GGCCCTTCTCCCTGCCGGAGCT).
Protein change: p.Pro2142fs; shifts the reading frame from proline 2142.
Molecular consequence: frameshift variant.
Genome position (GRCh38, 1-based): chr16:89,280,120-89,280,141, AGCTCCGGCAGGGAGAAGGGCC duplicated on the plus strand (GGCCCTTCTCCCTGCCGGAGCT on the coding strand, the reverse complement: ANKRD11 is on the minus strand). VCF-style (leftmost placement, unchanged base first): chr16-89280119-A-AAGCTCCGGCAGGGAGAAGGGCC. GRCh37 (hg19) VCF-style: chr16-89346527-A-AAGCTCCGGCAGGGAGAAGGGCC.
Other names: c.6401_6422dup, p.Pro2142fs (NM_001256182.2, NM_001256183.2); short protein forms P2142fs.
Identifiers: ClinVar variation 2630961 (VCV002630961.1), dbSNP rs2544222373, ClinGen allele CA2695201158.
Genomic context (GRCh38, chr16:89,280,119, plus strand): 5'-AGCAAGACTTTCTTCCACGGGTTCCGCTTCACCATCTGCGGCATCTTTAGTCTGCAGGGG[A>AAGCTCCGGCAGGGAGAAGGGCC]AGCTCCGGCAGGGAGAAGGGCCCCAGGTCCAGGTCGTCCTCGGGGCCGGCGAAGGCGTCC-3'

ClinVar aggregate classification (germline): Pathogenic (1 of 4 stars; one submission).

Conditions:
ANKRD11-related disorder. Also called: ANKRD11-related condition.

Submission:

PreventionGenetics, part of Exact Sciences
Classification: Pathogenic for ANKRD11-related condition. Last evaluated: 2023-08-28. Review status: criteria provided, single submitter. Criteria: ACMG Guidelines, 2015. Collection method: clinical testing. Allele origin: germline.
Comment: The ANKRD11 c.6401_6422dup22 variant is predicted to result in a frameshift and premature protein termination (p.Pro2142Alafs*12). To our knowledge, this variant has not been reported in the literature or in a large population database, indicating this variant is rare. Frameshift variants in ANKRD11 are expected to be pathogenic. This variant is interpreted as pathogenic.